The following is an entry in ClinVar:

NC_012920.1(MT-CO2):m.7628C>A

Gene: MT-CO2 (mitochondrially encoded cytochrome c oxidase II; plus strand).
Variant type: single nucleotide variant.
Genome position: chrM-7628-C-A.
Identifiers: ClinVar variation 692751 (VCV000692751.1), dbSNP rs1603221045, ClinGen allele CA414793046.

ClinVar aggregate classification (germline): Uncertain significance (1 of 4 stars; one submission).

Conditions:
Leigh syndrome (NULS). Also called: Leigh's necrotizing encephalopathy; Leigh's disease; Leigh Syndrome (mtDNA deletion); Leigh Disease; Subacute necrotizing encephalopathy; Necrotizing encephalopathy infantile subacute of Leigh. Identifiers: Orphanet 506, MedGen C2931891, MONDO:0009723, OMIM 256000.

Submission:

Wong Mito Lab, Molecular and Human Genetics, Baylor College of Medicine
Classification: Uncertain significance for Leigh syndrome. Last evaluated: 2019-10-17. Review status: criteria provided, single submitter. Criteria: Modified ACMG Guidelines (Unpublished). Collection method: clinical testing. Allele origin: germline.
Comment: The NC_012920.1:m.7628C>A (YP_003024029.1:p.Pro15Thr) variant in MTCO2 gene is interpretated to be a Uncertain Significance variant based on the modified ACMG guidelines (unpublished). This variant meets the following evidence codes: no criteria